The following is an entry in ClinVar:

NM_000621.5(HTR2A):c.102C>T (p.Ser34=)

Gene: HTR2A (5-hydroxytryptamine receptor 2A; minus strand). Cytogenetic location: 13q14.2.
Variant type: single nucleotide variant.
Coding change: c.102C>T on transcript NM_000621.5 (MANE Select); coding-DNA position 102, C replaced by T.
Protein change: p.Ser34=; no amino-acid change (serine 34 retained).
Molecular consequence: synonymous variant. On other transcripts: intron variant (1).
Genome position (GRCh38, 1-based): chr13:46,895,805, G>A on the plus strand (C>T on the coding strand, the complement: HTR2A is on the minus strand). VCF-style: chr13-46895805-G-A. GRCh37 (hg19) VCF-style: chr13-47469940-G-A.
Other names: c.102C>T, p.Ser34= (NM_001378924.1); c.-78+869C>T (NM_001165947.5).
Identifiers: ClinVar variation 511089 (VCV000511089.2), dbSNP rs6313, ClinGen allele CA6977703.

ClinVar aggregate classification (germline): Likely benign. Review status: criteria provided, multiple submitters, no conflicts (2 of 4 stars). 2 submissions from 2 submitters: Likely benign (2). Last evaluated 2018-03-09.

Allele frequency attached by ClinVar (database versions not stated): gnomAD 0.39786 and 0.40201; ESP Exome Variant Server 0.40066; TOPMed 0.40309; gnomAD exomes 0.40688 and 0.40776; ExAC 0.40715; 1000 Genomes Project 30x 0.43910; 1000 Genomes Project 0.44129.
gnomAD v4.1: 657,018 of 1,613,746 alleles (41%); highest among the groups gnomAD compares: East Asian, 55%; 135,757 homozygotes.

Submissions (2):

GeneDx
Classification: Likely benign. Last evaluated: 2018-03-09. Review status: criteria provided, single submitter. Criteria: GeneDx Variant Classification (06012015). Collection method: clinical testing. Allele origin: germline. Affected: yes.
Comment: This variant is considered likely benign or benign based on one or more of the following criteria: it is a conservative change, it occurs at a poorly conserved position in the protein, it is predicted to be benign by multiple in silico algorithms, and/or has population frequency not consistent with disease.

Breakthrough Genomics
Classification: Likely benign. Review status: criteria provided, single submitter. Criteria: ACMG Guidelines, 2015. Collection method: not provided. Allele origin: germline. Inheritance: Autosomal dominant inheritance. Affected: yes.